The following is an entry in ClinVar:

NM_018646.6(TRPV6):c.1016C>T (p.Thr339Ile)

Gene: TRPV6 (transient receptor potential cation channel subfamily V member 6; minus strand). Cytogenetic location: 7q34.
Variant type: single nucleotide variant.
Coding change: c.1016C>T on transcript NM_018646.6 (MANE Select); coding-DNA position 1016, C replaced by T.
Protein change: p.Thr339Ile; replaces threonine 339 with isoleucine.
Molecular consequence: missense variant.
Genome position (GRCh38, 1-based): chr7:142,875,771, G>A on the plus strand (C>T on the coding strand, the complement: TRPV6 is on the minus strand). VCF-style: chr7-142875771-G-A. GRCh37 (hg19) VCF-style: chr7-142573524-G-A.
Other names: short protein forms T339I.
Identifiers: ClinVar variation 3689863 (VCV003689863.2).

ClinVar aggregate classification (germline): Uncertain significance (1 of 4 stars; one submission).

gnomAD v4.1: 1 of 1,605,040 alleles (0.000062%); highest among the groups gnomAD compares: Non-Finnish European, 0.000085%; no homozygotes.

Submission:

Labcorp Genetics (formerly Invitae), Labcorp
Classification: Uncertain significance. Last evaluated: 2024-07-23. Review status: criteria provided, single submitter. Criteria: Invitae Variant Classification Sherloc (09022015). Collection method: clinical testing. Allele origin: germline.
Comment: This sequence change replaces threonine, which is neutral and polar, with isoleucine, which is neutral and non-polar, at codon 339 of the TRPV6 protein (p.Thr339Ile). This variant is not present in population databases (gnomAD no frequency). This variant has not been reported in the literature in individuals affected with TRPV6-related conditions. Experimental studies and prediction algorithms are not available or were not evaluated, and the functional significance of this variant is currently unknown. In summary, the available evidence is currently insufficient to determine the role of this variant in disease. Therefore, it has been classified as a Variant of Uncertain Significance.